The following is an entry in ClinVar:

ClinVar aggregate classification (germline): Uncertain significance (1 of 4 stars; one submission).

Conditions:
Neurodevelopmental disorder with microcephaly, seizures, and cortical atrophy. Identifiers: MedGen C4540493, MONDO:0060621, OMIM 617802.

Submission:

3billion
Classification: Uncertain significance for Neurodevelopmental disorder with microcephaly, seizures, and cortical atrophy. Last evaluated: 2024-10-14. Review status: criteria provided, single submitter. Criteria: ACMG Guidelines, 2015. Collection method: clinical testing. Allele origin: germline. Affected: yes.
Comment: The variant is not observed in the gnomAD v4.1.0 dataset. Predicted Consequence/Location: Missense variant Damaging effect on gene or gene product predicted by in silico programs is uncertain [REVEL: 0.53 (damaging >=0.6, benign <0.4)]. Therefore, this variant is classified as VUS according to the recommendation of ACMG/AMP guideline.

NM_006295.3(VARS1):c.1019G>A (p.Cys340Tyr)

Gene: VARS1 (valyl-tRNA synthetase 1; minus strand). Cytogenetic location: 6p21.33.
Variant type: single nucleotide variant.
Coding change: c.1019G>A on transcript NM_006295.3 (MANE Select); coding-DNA position 1019, G replaced by A.
Protein change: p.Cys340Tyr; replaces cysteine 340 with tyrosine.
Molecular consequence: missense variant.
Genome position (GRCh38, 1-based): chr6:31,791,691, C>T on the plus strand (G>A on the coding strand, the complement: VARS1 is on the minus strand). VCF-style: chr6-31791691-C-T. GRCh37 (hg19) VCF-style: chr6-31759468-C-T.
Other names: short protein forms C340Y.
Identifiers: ClinVar variation 4293105 (VCV004293105.1).
Genomic context (GRCh38, chr6:31,791,691, plus strand): 5'-ATGGCGTTGGTGAGTGCATGGCCCAGGTGCAGGGAGCCTGTCACATTGGGGGGTGGGATG[C>T]ACATCATGAAGACACCTCGGGGATTTGCTGCTGACACATTAGGACGCTGATGGTGGAGAA-3'
Protein context (NP_006286.1, residues 330-350): AANPRGVFMM[Cys340Tyr]IPPPNVTGSL